The following is an entry in ClinVar:

NM_000368.5(TSC1):c.786C>T (p.Ile262=)

Gene: TSC1 (TSC complex subunit 1; minus strand). Cytogenetic location: 9q34.13.
Variant type: single nucleotide variant.
Coding change: c.786C>T on transcript NM_000368.5 (MANE Select); coding-DNA position 786, C replaced by T.
Protein change: p.Ile262=; no amino-acid change (isoleucine 262 retained).
Molecular consequence: synonymous variant.
Genome position (GRCh38, 1-based): chr9:132,912,409, G>A on the plus strand (C>T on the coding strand, the complement: TSC1 is on the minus strand). VCF-style: chr9-132912409-G-A. GRCh37 (hg19) VCF-style: chr9-135787796-G-A.
Other names: c.786C>T (NM_000368.4); c.786C>T, p.Ile262= (NM_001162426.2); c.633C>T, p.Ile211= (NM_001162427.2); c.423C>T, p.Ile141= (NM_001362177.2).
Identifiers: ClinVar variation 1673436 (VCV001673436.10), dbSNP rs779015004, ClinGen allele CA467593596.

ClinVar aggregate classification (germline): Benign/Likely benign. Review status: criteria provided, multiple submitters, no conflicts (2 of 4 stars). 3 submissions from 3 submitters: Benign (1); Likely benign (2). Last evaluated 2026-01-21.

Conditions:
Hereditary cancer-predisposing syndrome. Also called: Hereditary neoplastic syndrome; Hereditary Cancer Syndrome; Tumor predisposition; Neoplastic Syndromes, Hereditary. Identifiers: Orphanet 140162, MedGen C0027672, MeSH D009386, MONDO:0015356.
Tuberous sclerosis 1 (TSC1). Identifiers: Orphanet 805, MedGen C1854465, MONDO:0008612, OMIM 191100.

Submissions (3):

Labcorp Genetics (formerly Invitae), Labcorp
Classification: Likely benign for Tuberous sclerosis 1. Last evaluated: 2026-01-21. Review status: criteria provided, single submitter. Criteria: Invitae Variant Classification Sherloc (09022015). Collection method: clinical testing. Allele origin: germline.

Myriad Genetics, Inc.
Classification: Benign for Tuberous sclerosis 1. Last evaluated: 2025-04-08. Review status: criteria provided, single submitter. Criteria: Myriad Autosomal Dominant, Autosomal Recessive and X-Linked Classification Criteria (2023). Collection method: clinical testing. Allele origin: unknown.
Comment: This variant is considered benign. This variant is a silent/synonymous amino acid change and it is not expected to impact splicing.

Ambry Genetics
Classification: Likely benign for Hereditary cancer-predisposing syndrome. Last evaluated: 2024-11-15. Review status: criteria provided, single submitter. Criteria: Ambry Variant Classification Scheme 2023. Collection method: clinical testing. Allele origin: germline.